The following is an entry in ClinVar:

NM_013975.4(LIG3):c.548-1G>C

Gene: LIG3 (DNA ligase 3; plus strand). Cytogenetic location: 17q12.
Variant type: single nucleotide variant.
Coding change: c.548-1G>C on transcript NM_013975.4 (MANE Select); the canonical splice acceptor site of the intron before coding-DNA position 548, G replaced by C.
Molecular consequence: splice acceptor variant.
Genome position (GRCh38, 1-based): chr17:34,985,987, G>C. VCF-style: chr17-34985987-G-C. GRCh37 (hg19) VCF-style: chr17-33313006-G-C.
Other names: c.548-1G>C (NM_002311.5).
Identifiers: ClinVar variation 2226226 (VCV002226226.2), dbSNP rs900993080, ClinGen allele CA289940037.

ClinVar aggregate classification (germline): Uncertain significance (1 of 4 stars; one submission).

Conditions:
Inborn genetic diseases. Identifiers: MedGen C0950123, MeSH D030342.

Allele frequency attached by ClinVar (database versions not stated): gnomAD exomes 0.00001.

Submission:

Ambry Genetics
Classification: Uncertain significance for Inborn genetic diseases. Last evaluated: 2021-11-03. Review status: criteria provided, single submitter. Criteria: Ambry Variant Classification Scheme 2023. Collection method: clinical testing. Allele origin: germline.
Comment: The c.548-1G>C intronic alteration consists of a G to C substitution 1 nucleotides before coding exon 2 in the LIG3 gene. Based on insufficient or conflicting evidence, the clinical significance of this alteration remains unclear.